The following is an entry in ClinVar:

NM_001040108.2(MLH3):c.326T>C (p.Ile109Thr)

Gene: MLH3 (mutL homolog 3; minus strand). Cytogenetic location: 14q24.3.
Variant type: single nucleotide variant.
Coding change: c.326T>C on transcript NM_001040108.2 (MANE Select); coding-DNA position 326, T replaced by C.
Protein change: p.Ile109Thr; replaces isoleucine 109 with threonine.
Molecular consequence: missense variant.
Genome position (GRCh38, 1-based): chr14:75,049,330, A>G on the plus strand (T>C on the coding strand, the complement: MLH3 is on the minus strand). VCF-style: chr14-75049330-A-G. GRCh37 (hg19) VCF-style: chr14-75516033-A-G.
Other names: c.326T>C, p.Ile109Thr (NM_014381.3); short protein forms I109T.
Identifiers: ClinVar variation 1729614 (VCV001729614.3), dbSNP rs2503331090, ClinGen allele CA390450961.

ClinVar aggregate classification (germline): Uncertain significance (1 of 4 stars; one submission).

Allele frequency attached by ClinVar (database versions not stated): gnomAD exomes below 0.00001.
gnomAD v4.1: 3 of 1,614,144 alleles (0.00019%); highest among the groups gnomAD compares: South Asian, 0.0033%; no homozygotes.

Submission:

Ambry Genetics
Classification: Uncertain significance. Last evaluated: 2025-12-16. Review status: criteria provided, single submitter. Criteria: Ambry Variant Classification Scheme 2023. Collection method: clinical testing. Allele origin: germline.
Comment: The p.I109T variant (also known as c.326T>C), located in coding exon 1 of the MLH3 gene, results from a T to C substitution at nucleotide position 326. The isoleucine at codon 109 is replaced by threonine, an amino acid with similar properties. This amino acid position is conserved. In addition, the in silico prediction for this alteration is inconclusive. Since supporting evidence is limited at this time, the clinical significance of this alteration remains unclear.